The following is an entry in ClinVar:

NM_000435.3(NOTCH3):c.213G>C (p.Trp71Cys)

Gene: NOTCH3 (notch receptor 3; minus strand). Cytogenetic location: 19p13.12.
Variant type: single nucleotide variant.
Coding change: c.213G>C on transcript NM_000435.3 (MANE Select); coding-DNA position 213, G replaced by C.
Protein change: p.Trp71Cys; replaces tryptophan 71 with cysteine.
Molecular consequence: missense variant.
Genome position (GRCh38, 1-based): chr19:15,192,504, C>G on the plus strand (G>C on the coding strand, the complement: NOTCH3 is on the minus strand). VCF-style: chr19-15192504-C-G. GRCh37 (hg19) VCF-style: chr19-15303315-C-G.
Other names: p.Trp71Cys; short protein forms W71C.
Identifiers: ClinVar variation 1807353 (VCV001807353.4), dbSNP rs28937321, ClinGen allele CA404535182.

ClinVar aggregate classification (germline): Pathogenic. Review status: criteria provided, multiple submitters, no conflicts (2 of 4 stars). 3 submissions from 3 submitters: Pathogenic (3). Last evaluated 2025-05-09.

Submissions (3):

Athena Diagnostics
Classification: Pathogenic. Last evaluated: 2025-05-09. Review status: criteria provided, single submitter. Criteria: Athena Diagnostics Criteria. Collection method: clinical testing. Allele origin: unknown.
Comment: This variant alters a critical location within the protein, and is expected to severely affect function and cause disease. This variant has not been reported in large, multi-ethnic general populations. This variant has been identified in at least one individual with clinical features associated with this gene. At least one other missense variant at this codon is considered to be pathogenic or likely pathogenic, suggesting this variant may also cause disease. Greater than 90% of NOTCH3 pathogenic variants associated with CADASIL involve the gain or loss of a cysteine residue within the epidermal growth factor (EGF)-like repeat domain (PMID: 32457593, 20301673).

ARUP Laboratories, Molecular Genetics and Genomics, ARUP Laboratories
Classification: Pathogenic. Last evaluated: 2024-12-18. Review status: criteria provided, single submitter. Criteria: ARUP Molecular Germline Variant Investigation Process 2024. Collection method: clinical testing. Allele origin: germline.
Comment: The NOTCH3 c.213G>C; p.Trp71Cys variant (rs28937321), to our knowledge, is not reported in the medical literature but is reported in ClinVar (Variation ID: 1807353). This variant is absent from the Genome Aggregation Database (v2.1.1), indicating it is not a common polymorphism. Computational analyses predict that this variant is deleterious (REVEL: 0.844). Furthermore, this variant creates an additional cysteine in an EGF-like repeat domain, which is thought to lead to abnormal disulfide bridge formation and perturb protein function (Joutel 1997, Rutten 2016). Additionally, another variant at this position leading to the same amino acid substitution (c.213G>T; p.Trp71Cys) has been reported in individuals with CADASIL (Joutel 1996, Mukai 2020). Based on available information, this variant is considered to be pathogeni.c References: Joutel A et al. Notch3 mutations in CADASIL, a hereditary adult-onset condition causing stroke and dementia. Nature. 1996 Oct 24;383(6602):707-10. PMID: 8878478. Joutel A et al. Strong clustering and stereotyped nature of Notch3 mutations in CADASIL patients. Lancet. 1997 Nov 22;350(9090):1511-5. PMID: 9388399. Mukai M et al. Genotype-phenotype correlations and effect of mutation location in Japanese CADASIL patients. J Hum Genet. 2020 Aug;65(8):637-646. PMID: 32277177. Rutten JW et al. Archetypal NOTCH3 mutations frequent in public exome: implications for CADASIL. Ann Clin Transl Neurol. 2016 Sep 28;3(11):844-853. PMID: 27844030.

Mayo Clinic Laboratories, Mayo Clinic
Classification: Pathogenic. Last evaluated: 2024-08-27. Review status: criteria provided, single submitter. Criteria: ACMG Guidelines, 2015. Collection method: clinical testing. Allele origin: germline. Observed: 1 variant allele.
Comment: PP2, PP3_moderate, PM1, PM2, PS1